The following is an entry in ClinVar:

ClinVar aggregate classification (germline): Uncertain significance (1 of 4 stars; one submission).

Conditions:
Diamond-Blackfan anemia. Also called: Blackfan Diamond syndrome; Aregenerative anemia chronic congenital; Red cell aplasia, pure hereditary; Congenital hypoplastic anemia; Aase syndrome. Identifiers: Orphanet 124, MedGen C1260899, MeSH D029503, MONDO:0015253, HP:0004810.
GATA binding protein 1 related thrombocytopenia with dyserythropoiesis. Also called: GATA1-Related Cytopenia; GATA1-Related X-Linked Cytopenia. Identifiers: MedGen C1845837, MONDO:0100089.

Submission:

Labcorp Genetics (formerly Invitae), Labcorp
Classification: Uncertain significance for GATA binding protein 1 related thrombocytopenia with dyserythropoiesis; Diamond-Blackfan anemia. Last evaluated: 2025-10-21. Review status: criteria provided, single submitter. Criteria: Invitae Variant Classification Sherloc (09022015). Collection method: clinical testing. Allele origin: germline.
Comment: This sequence change replaces glutamic acid, which is acidic and polar, with glutamine, which is neutral and polar, at codon 328 of the GATA1 protein (p.Glu328Gln). This variant is not present in population databases (gnomAD no frequency). This variant has not been reported in the literature in individuals affected with GATA1-related conditions. Invitae Evidence Modeling of protein sequence and biophysical properties (such as structural, functional, and spatial information, amino acid conservation, physicochemical variation, residue mobility, and thermodynamic stability) indicates that this missense variant is not expected to disrupt GATA1 protein function with a negative predictive value of 95%. In summary, the available evidence is currently insufficient to determine the role of this variant in disease. Therefore, it has been classified as a Variant of Uncertain Significance.

NM_002049.4(GATA1):c.982G>C (p.Glu328Gln)

Gene: GATA1 (GATA binding protein 1; plus strand). Cytogenetic location: Xp11.23.
Variant type: single nucleotide variant.
Coding change: c.982G>C on transcript NM_002049.4 (MANE Select); coding-DNA position 982, G replaced by C.
Protein change: p.Glu328Gln; replaces glutamic acid 328 with glutamine.
Molecular consequence: missense variant.
Genome position (GRCh38, 1-based): chrX:48,793,904, G>C. VCF-style: chrX-48793904-G-C. GRCh37 (hg19) VCF-style: chrX-48652311-G-C.
Other names: short protein forms E328Q.
Identifiers: ClinVar variation 4783752 (VCV004783752.1).